The following is an entry in ClinVar:

NM_025215.6(PUS1):c.707dup (p.Ala237fs)

Gene: PUS1 (pseudouridine synthase 1; plus strand). Cytogenetic location: 12q24.33.
Variant type: Duplication.
Coding change: c.707dup on transcript NM_025215.6 (MANE Select); coding-DNA position 707, one base duplicated (T; older notation c.707dupT).
Protein change: p.Ala237fs; shifts the reading frame from alanine 237.
Molecular consequence: frameshift variant.
Genome position (GRCh38, 1-based): chr12:131,941,454, T duplicated. VCF-style (leftmost placement, unchanged base first): chr12-131941453-C-CT. GRCh37 (hg19) VCF-style: chr12-132425998-C-CT.
Other names: c.623dup, p.Ala209fs (NM_001002019.3, NM_001002020.3); short protein forms A209fs, A237fs.
Identifiers: ClinVar variation 2770739 (VCV002770739.3), dbSNP rs2540873106, ClinGen allele CA2697551562.

ClinVar aggregate classification (germline): Pathogenic (1 of 4 stars; one submission).

Submission:

Labcorp Genetics (formerly Invitae), Labcorp
Classification: Pathogenic. Last evaluated: 2023-10-22. Review status: criteria provided, single submitter. Criteria: Invitae Variant Classification Sherloc (09022015). Collection method: clinical testing. Allele origin: germline.
Comment: This sequence change creates a premature translational stop signal (p.Ala237Glyfs*75) in the PUS1 gene. It is expected to result in an absent or disrupted protein product. Loss-of-function variants in PUS1 are known to be pathogenic (PMID: 17056637, 19731322, 25058219, 26556812). This variant is not present in population databases (gnomAD no frequency). This variant has not been reported in the literature in individuals affected with PUS1-related conditions. For these reasons, this variant has been classified as Pathogenic.

Literature cited by the submitters: PubMed 17056637; PubMed 19731322; PubMed 25058219; PubMed 26556812.